The following is an entry in ClinVar:

ClinVar aggregate classification (germline): Uncertain significance (1 of 4 stars; one submission).

Submission:

Ambry Genetics
Classification: Uncertain significance. Last evaluated: 2025-10-13. Review status: criteria provided, single submitter. Criteria: Ambry Variant Classification Scheme 2023. Collection method: clinical testing. Allele origin: germline.
Comment: The p.H1874D variant (also known as c.5620C>G), located in coding exon 22 of the WNK2 gene, results from a C to G substitution at nucleotide position 5620. The histidine at codon 1874 is replaced by aspartic acid, an amino acid with similar properties. This amino acid position is conserved. In addition, this alteration is predicted to be deleterious by in silico analysis. Based on the available evidence, the clinical significance of this variant remains unclear.

NM_006648.4(WNK2):c.5620C>G (p.His1874Asp)

Gene: WNK2 (WNK lysine deficient protein kinase 2; plus strand). Cytogenetic location: 9q22.31.
Variant type: single nucleotide variant.
Coding change: c.5620C>G on transcript NM_006648.4 (MANE Select); coding-DNA position 5620, C replaced by G.
Protein change: p.His1874Asp; replaces histidine 1874 with aspartic acid.
Molecular consequence: missense variant.
Genome position (GRCh38, 1-based): chr9:93,293,085, C>G. VCF-style: chr9-93293085-C-G. GRCh37 (hg19) VCF-style: chr9-96055367-C-G.
Other names: c.5731C>G, p.His1911Asp (NM_001282394.3); short protein forms H1874D, H1911D.
Identifiers: ClinVar variation 4605249 (VCV004605249.1).